The following is an entry in ClinVar:

ClinVar aggregate classification (germline): Pathogenic/Likely pathogenic. Review status: criteria provided, multiple submitters, no conflicts (2 of 4 stars). 3 submissions from 3 submitters: Pathogenic (1); Likely pathogenic (2). Last evaluated 2025-09-08.

Conditions:
Autosomal recessive limb-girdle muscular dystrophy type 2A (LGMDR1). Also called: Limb-girdle muscular dystrophy, type 2A; Calpainopathy; Muscular dystrophy, limb-girdle, type 2A, Amish; LEYDEN-MOEBIUS MUSCULAR DYSTROPHY; MUSCULAR DYSTROPHY, PELVOFEMORAL. Identifiers: Orphanet 267, MedGen C1869123, MONDO:0009675, OMIM 253600. Disease mechanism: loss of function.
Muscular dystrophy, limb-girdle, autosomal dominant 4. Also called: MUSCULAR DYSTROPHY, LIMB-GIRDLE, TYPE 1I; Calpain-3-related limb-girdle muscular dystrophy D4. Identifiers: Orphanet 565909, MedGen C4748295, MONDO:0029133, OMIM 618129.

Submissions (3):

Natera, Inc.
Classification: Likely pathogenic for Limb-girdle muscular dystrophy type 2A. Last evaluated: 2025-09-08. Review status: criteria provided, single submitter. Criteria: Natera Variant Classification Schema (03/2026). Collection method: clinical testing. Allele origin: germline.
Comment: The c.727_730delinsAT variant in CAPN3 is a frameshift variant predicted to shift the reading frame beginning at codon 243 and leads to a stop codon 3 codons downstream. This variant is expected to result in nonsense mediated decay, truncation, or a dysfunctional protein product. This variant is rare in the general population with a frequency below the threshold expected for the associated phenotype(s). Given the available evidence, this variant is classified as Likely Pathogenic.

Baylor Genetics
Classification: Likely pathogenic for Muscular dystrophy, limb-girdle, autosomal dominant 4. Last evaluated: 2024-03-23. Review status: criteria provided, single submitter. Criteria: ACMG Guidelines, 2015. Collection method: clinical testing. Allele origin: unknown.

Labcorp Genetics (formerly Invitae), Labcorp
Classification: Pathogenic for Autosomal recessive limb-girdle muscular dystrophy type 2A. Last evaluated: 2023-05-30. Review status: criteria provided, single submitter. Criteria: Invitae Variant Classification Sherloc (09022015). Collection method: clinical testing. Allele origin: germline.
Comment: This sequence change creates a premature translational stop signal (p.Asp243Ilefs*3) in the CAPN3 gene. It is expected to result in an absent or disrupted protein product. Loss-of-function variants in CAPN3 are known to be pathogenic (PMID: 10330340, 15689361). Information on the frequency of this variant in the gnomAD database is not available, as this variant may be reported differently in the database. This premature translational stop signal has been observed in individual(s) with autosomal recessive limb-girdle muscular dystrophy (Invitae). In at least one individual the data is consistent with being in trans (on the opposite chromosome) from a pathogenic variant. It has also been observed to segregate with disease in related individuals. For these reasons, this variant has been classified as Pathogenic.

Literature cited by the submitters: PubMed 10330340 (cited by Labcorp Genetics (formerly Invitae), Labcorp); PubMed 15689361 (cited by Labcorp Genetics (formerly Invitae), Labcorp).

NM_000070.3(CAPN3):c.727_730delinsAT (p.Asp243fs)

Gene: CAPN3 (calpain 3; plus strand). Cytogenetic location: 15q15.1.
Variant type: Indel.
Coding change: c.727_730delinsAT on transcript NM_000070.3 (MANE Select); coding-DNA positions 727 to 730, GATG replaced by AT.
Protein change: p.Asp243fs; shifts the reading frame from aspartic acid 243.
Molecular consequence: frameshift variant.
Genome position (GRCh38, 1-based): chr15:42,389,022-42,389,025, GATG replaced by AT. VCF-style: chr15-42389022-GATG-AT. GRCh37 (hg19) VCF-style: chr15-42681220-GATG-AT.
Other names: c.727_730delinsAT, p.Asp243fs (NM_024344.2, NM_173087.2); short protein forms D243fs.
Identifiers: ClinVar variation 536516 (VCV000536516.11), dbSNP rs1555420642, ClinGen allele CA658798310.